The following is an entry in ClinVar:

ClinVar aggregate classification (germline): Pathogenic (1 of 4 stars; one submission).

Conditions:
Long QT syndrome (LQTS). Identifiers: MedGen C0023976, MeSH D008133, MONDO:0002442. Disease mechanism: loss of function. Inheritance: Various modes of inheritance.

Submission:

Labcorp Genetics (formerly Invitae), Labcorp
Classification: Pathogenic for Long QT syndrome. Last evaluated: 2022-10-05. Review status: criteria provided, single submitter. Criteria: Invitae Variant Classification Sherloc (09022015). Collection method: clinical testing. Allele origin: unknown.
Comment: This variant disrupts a region of the KCNH2 protein in which other variant(s) (p.Ser641Phe) have been determined to be pathogenic (PMID: 18441445, 21769575, 22949429; Invitae). This suggests that this is a clinically significant region of the protein, and that variants that disrupt it are likely to be disease-causing. For these reasons, this variant has been classified as Pathogenic. This variant has not been reported in the literature in individuals affected with KCNH2-related conditions. This variant is a gross deletion of the genomic region encompassing exon(s) 3-7 of the KCNH2 gene. This variant would be expected to be in-frame, preserving the integrity of the reading frame.

Literature cited by the submitters: PubMed 18441445; PubMed 21769575; PubMed 22949429.

NC_000007.13:g.(?_150648516)_(150656844_?)del

Gene: KCNH2 (potassium voltage-gated channel subfamily H member 2; minus strand). Cytogenetic location: 7q36.1.
Variant type: Deletion.
Identifiers: ClinVar variation 3245700 (VCV003245700.1).